The following is an entry in ClinVar:

NM_001009944.3(PKD1):c.6871C>T (p.Gln2291Ter)

Gene: PKD1 (polycystin 1, transient receptor potential channel interacting; minus strand). Cytogenetic location: 16p13.3.
Variant type: single nucleotide variant.
Coding change: c.6871C>T on transcript NM_001009944.3 (MANE Select); coding-DNA position 6871, C replaced by T.
Protein change: p.Gln2291Ter; replaces glutamine 2291 with a stop codon.
Molecular consequence: nonsense.
Genome position (GRCh38, 1-based): chr16:2,108,296, G>A on the plus strand (C>T on the coding strand, the complement: PKD1 is on the minus strand). VCF-style: chr16-2108296-G-A. GRCh37 (hg19) VCF-style: chr16-2158297-G-A.
Other names: c.6871C>T, p.Gln2291Ter (NM_000296.4); short protein forms Q2291*.
Identifiers: ClinVar variation 993350 (VCV000993350.13), dbSNP rs755591790, ClinGen allele CA394372724.

ClinVar aggregate classification (germline): Pathogenic. Review status: criteria provided, multiple submitters, no conflicts (2 of 4 stars). 6 submissions from 6 submitters: Pathogenic (6). Last evaluated 2023-05-31.

Conditions:
PKD1-related disorder. Also called: PKD1-related condition.
Polycystic kidney disease, adult type (PKD1). Also called: Polycystic Kidney Disease 1, Autosomal Dominant; Polycystic kidney disease 1; POLYCYSTIC KIDNEY DISEASE, ADULT, TYPE I; Polycystic Kidney, Autosomal Dominant; Polycystic kidney disease 1, severe; POLYCYSTIC KIDNEY DISEASE 1 WITH OR WITHOUT POLYCYSTIC LIVER DISEASE. Identifiers: MedGen C3149841, MONDO:0008263, OMIM 173900.

Submissions (6):

GeneDx
Classification: Pathogenic. Last evaluated: 2023-05-31. Review status: criteria provided, single submitter. Criteria: GeneDx Variant Classification Process June 2021. Collection method: clinical testing. Allele origin: germline. Affected: yes.
Comment: Nonsense variant predicted to result in protein truncation or nonsense mediated decay in a gene for which loss of function is a known mechanism of disease; Not observed at significant frequency in large population cohorts (gnomAD); This variant is associated with the following publications: (PMID: 25525159, 17582161, 23300259)

Blueprint Genetics
Classification: Pathogenic for PKD1-related disorders. Last evaluated: 2022-10-13. Review status: criteria provided, single submitter. Criteria: ACMG Guidelines, 2015. Collection method: clinical testing. Allele origin: germline. Affected: yes. Observed: 1 variant allele.

(GEEPAD) Grupo de Estudio de la Enfermedad Poliquística Autosómica Dominante, Hospitales Universitarios Virgen de las Nieves y San Cecilio (Granada)
Classification: Pathogenic for Polycystic kidney disease, adult type. Last evaluated: 2022-08-03. Review status: criteria provided, single submitter. Criteria: ACMG Guidelines, 2015. Collection method: clinical testing. Allele origin: germline. Affected: yes. Observed: 1 variant allele.

Fulgent Genetics
Classification: Pathogenic for Polycystic kidney disease, adult type. Last evaluated: 2022-05-19. Review status: criteria provided, single submitter. Criteria: ACMG Guidelines, 2015. Collection method: clinical testing. Allele origin: unknown.

ARUP Laboratories, Molecular Genetics and Genomics, ARUP Laboratories
Classification: Pathogenic for Polycystic kidney disease, adult type. Last evaluated: 2019-10-03. Review status: criteria provided, single submitter. Criteria: ARUP Molecular Germline Variant Investigation Process. Collection method: clinical testing. Allele origin: germline.
Comment: The PKD1 c.6871C>T; p.Gln2291Ter variant is reported in the literature in an individual affected with ADPKD (Rossetti 2007). This variant is absent from general population databases (Exome Variant Server, Genome Aggregation Database), indicating it is not a common polymorphism. This variant induces an early termination codon and is predicted to result in a truncated protein or mRNA subject to nonsense-mediated decay. Based on available information, this variant is considered to be pathogenic. References: Rossetti S et al. Comprehensive molecular diagnostics in autosomal dominant polycystic kidney disease. J Am Soc Nephrol. 2007 Jul;18(7):2143-60.

Juno Genomics, Hangzhou Juno Genomics, Inc
Classification: Pathogenic for Polycystic kidney disease, adult type. Review status: criteria provided, single submitter. Criteria: ACMG Guidelines, 2015. Collection method: clinical testing. Allele origin: germline. Affected: yes.
Comment: Absent from controls (or at extremely low frequency if recessive) in Genome Aggregation Database.;Null variant in a gene where loss of function (LOF) is a known mechanism of disease.;The prevalence of the variant in affected individuals is significantly increased compared to the prevalence in controls.;Patient's phenotype or family history is highly specific for a disease with a single genetic etiology.